The following is an entry in ClinVar:

NM_016030.6(TRAPPC12):c.1753G>A (p.Gly585Ser)

Gene: TRAPPC12 (trafficking protein particle complex subunit 12; plus strand). Cytogenetic location: 2p25.3.
Variant type: single nucleotide variant.
Coding change: c.1753G>A on transcript NM_016030.6 (MANE Select); coding-DNA position 1753, G replaced by A.
Protein change: p.Gly585Ser; replaces glycine 585 with serine.
Molecular consequence: missense variant.
Genome position (GRCh38, 1-based): chr2:3,465,672, G>A. VCF-style: chr2-3465672-G-A. GRCh37 (hg19) VCF-style: chr2-3469443-G-A.
Other names: c.1753G>A (NM_016030.5); c.1753G>A, p.Gly585Ser (NM_001321102.2); short protein forms G585S.
Identifiers: ClinVar variation 1900887 (VCV001900887.8), dbSNP rs780411941, ClinGen allele CA1515613.

ClinVar aggregate classification (germline): Uncertain significance. Review status: criteria provided, multiple submitters, no conflicts (2 of 4 stars). 3 submissions from 3 submitters: Uncertain significance (3). Last evaluated 2025-09-24.

Conditions:
Inborn genetic diseases. Identifiers: MedGen C0950123, MeSH D030342.

Allele frequency attached by ClinVar (database versions not stated): ExAC 0.00002; gnomAD 0.00002; TOPMed 0.00002; gnomAD exomes 0.00003.
gnomAD v4.1: 43 of 1,614,050 alleles (0.0027%); highest among the groups gnomAD compares: Middle Eastern, 0.016%; no homozygotes.

Submissions (3):

GeneDx
Classification: Uncertain significance. Last evaluated: 2025-09-24. Review status: criteria provided, single submitter. Criteria: GeneDx Variant Classification Process June 2021. Collection method: clinical testing. Allele origin: germline.
Comment: In silico analysis supports that this missense variant has a deleterious effect on protein structure/function; Has not been previously published as pathogenic or benign to our knowledge

Ambry Genetics
Classification: Uncertain significance for Inborn genetic diseases. Last evaluated: 2025-05-20. Review status: criteria provided, single submitter. Criteria: Ambry Variant Classification Scheme 2023. Collection method: clinical testing. Allele origin: germline.

Labcorp Genetics (formerly Invitae), Labcorp
Classification: Uncertain significance. Last evaluated: 2024-10-29. Review status: criteria provided, single submitter. Criteria: Invitae Variant Classification Sherloc (09022015). Collection method: clinical testing. Allele origin: germline.
Comment: This sequence change replaces glycine, which is neutral and non-polar, with serine, which is neutral and polar, at codon 585 of the TRAPPC12 protein (p.Gly585Ser). This variant is present in population databases (rs780411941, gnomAD 0.02%). This variant has not been reported in the literature in individuals affected with TRAPPC12-related conditions. ClinVar contains an entry for this variant (Variation ID: 1900887). Invitae Evidence Modeling of protein sequence and biophysical properties (such as structural, functional, and spatial information, amino acid conservation, physicochemical variation, residue mobility, and thermodynamic stability) has been performed for this missense variant. However, the output from this modeling did not meet the statistical confidence thresholds required to predict the impact of this variant on TRAPPC12 protein function. In summary, the available evidence is currently insufficient to determine the role of this variant in disease. Therefore, it has been classified as a Variant of Uncertain Significance.